The following is an entry in ClinVar:

NM_001191061.2(SLC25A22):c.-164+354C>T

Genes: PANO1 (proapoptotic nucleolar protein 1; plus strand), SLC25A22 (solute carrier family 25 member 22; minus strand). Cytogenetic location: 11p15.5.
Variant type: single nucleotide variant.
Coding change: c.-164+354C>T on transcript NM_001191061.2 (MANE Select); 354 bases into the intron after 164 bases upstream of the start codon, C replaced by T.
Molecular consequence: intron variant. On other transcripts: 5 prime UTR variant (1).
Genome position (GRCh38, 1-based): chr11:797,863, G>A on the plus strand (C>T on the coding strand, the complement: SLC25A22 is on the minus strand). VCF-style: chr11-797863-G-A. GRCh37 (hg19) VCF-style: chr11-797863-G-A.
Other names: NC_000011.9:g.797863G>A; c.-415C>T (NM_001191060.2); c.-159+354C>T (NM_001425339.1); c.-164+354C>T (NM_001425341.1, NM_001425340.1, NM_001425343.1 and 4 more transcripts); c.-487+354C>T (NM_001425344.1); c.-489+354C>T (NM_001425338.1).
Identifiers: ClinVar variation 3770405 (VCV003770405.14).

ClinVar aggregate classification (germline): Likely benign (1 of 4 stars; one submission).

Submissions (3):

CeGaT Center for Human Genetics Tuebingen
Classification: Likely benign. Last evaluated: 2025-11-01. Review status: criteria provided, single submitter. Criteria: CeGaT Center For Human Genetics Tuebingen Variant Classification Criteria Version 2. Collection method: clinical testing. Allele origin: germline. Affected: yes. Observed: 8 variant alleles.
Comment: PANO1: BS2

Dr. Peter K. Rogan Lab, Western University
No classification provided (evidence only). Condition: Ovarian serous cystadenocarcinoma. Review status: no classification provided. Collection method: in vitro. Allele origin: not applicable. Functional consequence: retained intron. Not counted in ClinVar's aggregate classification.

Dr. Peter K. Rogan Lab, Western University
No classification provided (evidence only). Condition: Ovarian serous cystadenocarcinoma. Review status: no classification provided. Collection method: in vitro. Allele origin: not applicable. Functional consequence: retained intron. Not counted in ClinVar's aggregate classification.